The following is an entry in ClinVar:

ClinVar aggregate classification (germline): Uncertain significance (1 of 4 stars; one submission).

Conditions:
Lymphatic malformation 6 (LMPHM6). Also called: GENERALIZED LYMPHATIC DYSPLASIA OF FOTIOU; Lymphedema, hereditary, III; PIEZO1-related generalized lymphatic dysplasia with non-immune hydrops fetalis. Identifiers: Orphanet 568062, MedGen C4225184, MONDO:0014797, OMIM 616843.

gnomAD v4.1: 2 of 1,538,652 alleles (0.00013%); highest among the groups gnomAD compares: Non-Finnish European, 0.00017%; no homozygotes.

Submission:

Clinical Genomics Laboratory, Washington University in St. Louis
Classification: Uncertain significance for Lymphatic malformation 6. Last evaluated: 2026-01-29. Review status: criteria provided, single submitter. Criteria: ACMG Guidelines, 2015. Collection method: clinical testing. Allele origin: germline.
Comment: A PIEZO1 c.4347G>C (p.Gln1449His) variant was identified at a near heterozygous allelic fraction of 49.1%, a frequency which may be consistent with germline origin. This variant, to our knowledge, has not been reported in the medical literature or in the ClinVar database. It is only observed on 2/1,538,652 alleles in the general population (gnomAD v4.1.0), indicating it is not a common variant. Computational predictors are uncertain as to the impact of this variant on PIEZO1 function. Due to limited information, and based on ACMG/AMP guidelines for variant interpretation (Richards S et al., PMID: 25741868), the clinical significance of this variant is uncertain at this time.

NM_001142864.4(PIEZO1):c.4347G>C (p.Gln1449His)

Gene: PIEZO1 (piezo type mechanosensitive ion channel component 1 (Er blood group); minus strand). Cytogenetic location: 16q24.3.
Variant type: single nucleotide variant.
Coding change: c.4347G>C on transcript NM_001142864.4 (MANE Select); coding-DNA position 4347, G replaced by C.
Protein change: p.Gln1449His; replaces glutamine 1449 with histidine.
Molecular consequence: missense variant.
Genome position (GRCh38, 1-based): chr16:88,723,317, C>G on the plus strand (G>C on the coding strand, the complement: PIEZO1 is on the minus strand). VCF-style: chr16-88723317-C-G. GRCh37 (hg19) VCF-style: chr16-88789725-C-G.
Other names: short protein forms Q1449H.
Identifiers: ClinVar variation 4974615 (VCV004974615.1).